The following is an entry in ClinVar:

NM_001029896.2(WDR45):c.987_989dup (p.Gly330_Thr331insGly)

Gene: WDR45 (WD repeat domain 45; minus strand). Cytogenetic location: Xp11.23.
Variant type: Duplication.
Coding change: c.987_989dup on transcript NM_001029896.2 (MANE Select); coding-DNA positions 987 to 989, 3 bases duplicated (TGG; older notation c.987_989dupTGG).
Protein change: p.Gly330_Thr331insGly.
Genome position (GRCh38, 1-based): chrX:49,074,897-49,074,899, CCA duplicated on the plus strand (TGG on the coding strand, the reverse complement: WDR45 is on the minus strand). VCF-style (leftmost placement, unchanged base first): chrX-49074896-C-CCCA. GRCh37 (hg19) VCF-style: chrX-48932555-C-CCCA.
Other names: c.990_992dup, p.Gly331_Thr332insGly (NM_007075.4).
Identifiers: ClinVar variation 3359729 (VCV003359729.1).

ClinVar aggregate classification (germline): Uncertain significance (1 of 4 stars; one submission).

Submission:

GeneDx
Classification: Uncertain significance. Last evaluated: 2023-06-13. Review status: criteria provided, single submitter. Criteria: GeneDx Variant Classification Process June 2021. Collection method: clinical testing. Allele origin: germline. Affected: yes.
Comment: Not observed at significant frequency in large population cohorts (gnomAD); In-frame duplication of 1 amino acid in a non-repeat region; Has not been previously published as pathogenic or benign to our knowledge